The following is an entry in ClinVar:

NM_001278512.2(AP3B2):c.454_457del (p.Glu152fs)

Genes: AP3B2 (adaptor related protein complex 3 subunit beta 2; minus strand), CPEB1-AS1 (CPEB1 antisense RNA 1; plus strand). Cytogenetic location: 15q25.2.
Variant type: Deletion.
Coding change: c.454_457del on transcript NM_001278512.2 (MANE Select); coding-DNA positions 454 to 457, 4 bases deleted (GAAG; older notation c.454_457delGAAG).
Protein change: p.Glu152fs; shifts the reading frame from glutamic acid 152.
Molecular consequence: frameshift variant.
Genome position (GRCh38, 1-based): chr15:82,681,484-82,681,487, CTTC deleted on the plus strand (GAAG on the coding strand, the reverse complement: AP3B2 is on the minus strand); deleting any 4 consecutive bases within chr15:82,681,484-82,681,490 gives the same sequence; the c. name uses the placement nearest the transcript's 3' end. VCF-style (leftmost placement, unchanged base first): chr15-82681483-GCTTC-G. GRCh37 (hg19) VCF-style: chr15-83350235-GCTTC-G.
Other names: c.358_361del, p.Glu120fs (NM_001278511.2); c.454_457del, p.Glu152fs (NM_004644.5); short protein forms E120fs, E152fs.
Identifiers: ClinVar variation 4855838 (VCV004855838.1).

ClinVar aggregate classification (germline): Likely pathogenic (1 of 4 stars; one submission).

Conditions:
Developmental and epileptic encephalopathy, 48 (DEE48). Also called: Epileptic encephalopathy, early infantile, 48. Identifiers: MedGen C4310637, MONDO:0015000, OMIM 617276.

Submission:

3billion
Classification: Likely pathogenic for Developmental and epileptic encephalopathy, 48. Last evaluated: 2025-07-01. Review status: criteria provided, single submitter. Criteria: ACMG Guidelines, 2015. Collection method: clinical testing. Allele origin: germline. Affected: yes.
Comment: The variant is not observed in the gnomAD v4.1.0 dataset. Predicted Consequence/Location: Frameshift: predicted to result in a loss or disruption of normal protein function through nonsense-mediated decay (NMD) or protein truncation. Multiple pathogenic variants are reported downstream of the variant. Therefore, this variant is classified as Likely pathogenic according to the recommendation of ACMG/AMP guideline.